The following is an entry in ClinVar:

ClinVar aggregate classification (germline): Benign. Review status: criteria provided, multiple submitters, no conflicts (2 of 4 stars). 10 submissions from 10 submitters: Benign (10). Last evaluated 2026-02-04.

Conditions:
Cardiovascular phenotype. Identifiers: MedGen CN230736.
Long QT syndrome (LQTS). Identifiers: MedGen C0023976, MeSH D008133, MONDO:0002442. Disease mechanism: loss of function. Inheritance: Various modes of inheritance.
Timothy syndrome (TS). Also called: LONG QT SYNDROME WITH SYNDACTYLY. Identifiers: Orphanet 65283, MedGen C1832916, MeSH C536962, MONDO:0010979, OMIM 601005.

Allele frequency attached by ClinVar (database versions not stated): 1000 Genomes Project 30x 0.11805; 1000 Genomes Project 0.12041; TOPMed 0.16695; gnomAD 0.16755 and 0.16949; ESP Exome Variant Server 0.17570; gnomAD exomes 0.17632; ExAC 0.20737.
gnomAD v4.1: 310,077 of 1,603,596 alleles (19%); highest among the groups gnomAD compares: Middle Eastern, 22%; 31,499 homozygotes.

Submissions (10):

Labcorp Genetics (formerly Invitae), Labcorp
Classification: Benign for Long QT syndrome. Last evaluated: 2026-02-04. Review status: criteria provided, single submitter. Criteria: Invitae Variant Classification Sherloc (09022015). Collection method: clinical testing. Allele origin: germline.

Molecular Diagnostic Laboratory for Inherited Cardiovascular Disease, Montreal Heart Institute
Classification: Benign. Last evaluated: 2025-04-09. Review status: criteria provided, single submitter. Criteria: ACMG Guidelines, 2015. Collection method: clinical testing. Allele origin: germline. Affected: no.

Blueprint Genetics
Classification: Benign. Last evaluated: 2024-11-27. Review status: criteria provided, single submitter. Criteria: ACMG Guidelines, 2015. Collection method: clinical testing. Allele origin: germline.

Genome-Nilou Lab
Classification: Benign for Timothy syndrome. Last evaluated: 2021-07-14. Review status: criteria provided, single submitter. Criteria: ACMG Guidelines, 2015. Collection method: clinical testing. Allele origin: germline. Affected: no.

Ambry Genetics
Classification: Benign for Cardiovascular phenotype. Last evaluated: 2015-03-09. Review status: criteria provided, single submitter. Criteria: Ambry Variant Classification Scheme 2023. Collection method: clinical testing. Allele origin: germline.

Mayo Clinic Laboratories, Mayo Clinic
Classification: Benign. Last evaluated: 2014-12-30. Review status: criteria provided, single submitter. Criteria: ACMG Guidelines, 2015. Collection method: clinical testing. Allele origin: germline. Observed: 377 variant alleles.

Eurofins Ntd Llc (ga)
Classification: Benign. Last evaluated: 2013-07-23. Review status: criteria provided, single submitter. Criteria: EGL Classification Definitions 2015. Collection method: clinical testing. Allele origin: germline. Observed: 4 variant alleles, 4 heterozygotes.

GeneDx
Classification: Benign. Last evaluated: 2011-07-10. Review status: criteria provided, single submitter. Criteria: GeneDx Variant Classification (06012015). Collection method: clinical testing. Allele origin: germline. Affected: yes.
Comment: This variant is considered likely benign or benign based on one or more of the following criteria: it is a conservative change, it occurs at a poorly conserved position in the protein, it is predicted to be benign by multiple in silico algorithms, and/or has population frequency not consistent with disease.

Breakthrough Genomics
Classification: Benign. Review status: criteria provided, single submitter. Criteria: ACMG Guidelines, 2015. Collection method: not provided. Allele origin: germline. Inheritance: Autosomal dominant inheritance. Affected: yes.

PreventionGenetics, part of Exact Sciences
Classification: Benign. Review status: criteria provided, single submitter. Criteria: ACMG Guidelines, 2015. Collection method: clinical testing. Allele origin: germline.

NM_000719.7(CACNA1C):c.522G>A (p.Ala174=)

Gene: CACNA1C (calcium voltage-gated channel subunit alpha1 C; plus strand). Cytogenetic location: 12p13.33.
Variant type: single nucleotide variant.
Coding change: c.522G>A on transcript NM_000719.7 (MANE Select); coding-DNA position 522, G replaced by A.
Protein change: p.Ala174=; no amino-acid change (alanine 174 retained).
Molecular consequence: synonymous variant.
Genome position (GRCh38, 1-based): chr12:2,449,020, G>A. VCF-style: chr12-2449020-G-A. GRCh37 (hg19) VCF-style: chr12-2558186-G-A.
Other names: p.A174A:GCG>GCA; p.Ala174=; c.522G>A, p.Ala174= (NM_001129827.2, NM_001129829.2, NM_001129830.3 and 19 more transcripts); c.522G>A (NM_199460.3).
Identifiers: ClinVar variation 93412 (VCV000093412.27), dbSNP rs1544514, ClinGen allele CA285389.